The following is an entry in ClinVar:

ClinVar aggregate classification (germline): Uncertain significance. Review status: criteria provided, multiple submitters, no conflicts (2 of 4 stars). 10 submissions from 10 submitters: Uncertain significance (8). 2 of the submissions do not count toward it. Last evaluated 2026-01-25.

Conditions:
Cardiovascular phenotype. Identifiers: MedGen CN230736.
Cardiac arrhythmia. Also called: Arrhythmia; Cardiac rhythm disease. Identifiers: MedGen C0003811, MONDO:0007263, HP:0011675.
Familial long QT syndrome (RWS). Also called: Congenital long QT syndrome; Romano-Ward syndrome; VENTRICULAR FIBRILLATION WITH PROLONGED QT INTERVAL. Identifiers: Orphanet 768, MedGen C1141890, MONDO:0019171.
Short QT syndrome type 1. Identifiers: Orphanet 51083, MedGen C1865020, MONDO:0012312, OMIM 609620.
Long QT syndrome 2 (LQT2). Identifiers: Orphanet 101016, Orphanet 768, MedGen C3150943, MONDO:0013367, OMIM 613688.
Long QT syndrome (LQTS). Identifiers: MedGen C0023976, MeSH D008133, MONDO:0002442. Disease mechanism: loss of function. Inheritance: Various modes of inheritance.

Allele frequency attached by ClinVar (database versions not stated): ExAC 0.00003; gnomAD exomes 0.00004 and 0.00002; ESP Exome Variant Server 0.00008; gnomAD 0.00004; TOPMed 0.00003.
gnomAD v4.1: 32 of 1,614,070 alleles (0.002%); highest among the groups gnomAD compares: Non-Finnish European, 0.00025%; no homozygotes.

Submissions (10):

Labcorp Genetics (formerly Invitae), Labcorp
Classification: Uncertain significance for Long QT syndrome. Last evaluated: 2026-01-25. Review status: criteria provided, single submitter. Criteria: Invitae Variant Classification Sherloc (09022015). Collection method: clinical testing. Allele origin: germline.
Comment: This sequence change replaces isoleucine, which is neutral and non-polar, with valine, which is neutral and non-polar, at codon 711 of the KCNH2 protein (p.Ile711Val). This variant is present in population databases (rs199473532, gnomAD 0.08%). This missense change has been observed in individual(s) with clinical features of long QT syndrome (PMID: 19716085, 26746457). ClinVar contains an entry for this variant (Variation ID: 67367). An algorithm developed to predict the effect of missense changes on protein structure and function (PolyPhen-2) suggests that this variant is likely to be disruptive. Experimental studies have shown that this missense change affects KCNH2 function (PMID: 25417810). In summary, the available evidence is currently insufficient to determine the role of this variant in disease. Therefore, it has been classified as a Variant of Uncertain Significance.

Color Diagnostics, LLC DBA Color Health
Classification: Uncertain significance for Cardiac arrhythmia. Last evaluated: 2025-12-18. Review status: criteria provided, single submitter. Criteria: ACMG Guidelines, 2015. Collection method: clinical testing. Allele origin: germline.
Comment: This missense variant replaces isoleucine with valine at codon 711 of the KCNH2 protein. Computational prediction suggests that this variant may have deleterious impact on protein structure and function. Functional studies have shown that this variant may affect channel gating (PMID: 25417810, 27807201). This variant has been reported in an individual suspected of having long QT syndrome (PMID: 19716085). This variant has been identified in 32/1614070 chromosomes in the general population by the Genome Aggregation Database (gnomAD). The available evidence is insufficient to determine the role of this variant in disease conclusively. Therefore, this variant is classified as a Variant of Uncertain Significance.

All of Us Research Program, National Institutes of Health
Classification: Uncertain significance for Long QT syndrome. Last evaluated: 2024-05-17. Review status: criteria provided, single submitter. Criteria: ACMG Guidelines, 2015. Collection method: clinical testing. Allele origin: germline. Inheritance: Autosomal dominant inheritance. Observed: 11 variant alleles, 11 heterozygotes.
Comment: This missense variant replaces isoleucine with valine at codon 711 of the KCNH2 protein. Computational prediction tools and conservation analyses suggest that this variant may have deleterious impact on the protein function. Functional studies have shown that this variant may affect channel gating (PMID: 25417810, 27807201). However, clinical relevance of this observation is not clear. This variant has been reported in an individuals affected with long QT syndrome (PMID: 26746457). This variant has also been identified in 9/251380 chromosomes (8/10080 Ashkenazi Jewish chromosomes) in the general population by the Genome Aggregation Database (gnomAD). The available evidence is insufficient to determine the role of this variant in disease conclusively. Therefore, this variant is classified as a Variant of Uncertain Significance.

This study involves interpretation of variants in research participants for the purpose of population health screening. Participant phenotype was not available at the time of variant classification. Additional details can be found in publication PMID: 35346344, PMCID: PMC8962531

GeneDx
Classification: Uncertain significance. Last evaluated: 2023-05-09. Review status: criteria provided, single submitter. Criteria: GeneDx Variant Classification Process June 2021. Collection method: clinical testing. Allele origin: germline. Affected: yes.
Comment: Has been reported in an individual with LQTS (Kapplinger et al., 2009); Functional studies performed in HEK293 cells transfected with p.(I711V) showed similar expression levels to wild type (Perry et al., 2016); however, Bohnen et al. (2017) suggests that this variant alters channel gating; In silico analysis supports that this missense variant does not alter protein structure/function; This variant is associated with the following publications: (PMID: 25637381, 27807201, 19716085, 26958806)

Department of Pathology and Laboratory Medicine, Sinai Health System
Classification: Uncertain significance for Short QT syndrome type 1; Long QT syndrome 2. Last evaluated: 2022-12-12. Review status: criteria provided, single submitter. Criteria: ACMG Guidelines, 2015. Collection method: research. Allele origin: germline.

Clinical Genomics Laboratory, Stanford Medicine
Classification: Uncertain significance for Long QT syndrome 2; Short QT syndrome type 1. Last evaluated: 2021-12-03. Review status: criteria provided, single submitter. Criteria: ACMG Guidelines, 2015. Collection method: clinical testing. Allele origin: germline. Observed: 1 variant allele, 1 heterozygote.
Comment: The p.Ile711Val variant in the KCNH2 gene has been previously reported in 2 unrelated individuals with long QT syndrome (Kapplinger et al., 2009; Van Driest et al., 2016). This variant has been identified in 8/10,080 Ashkenazi Jewish chromosomes (9/251,380 chromosomes overall) by the Genome Aggregation Database. Although this variant has been seen in the general population, it has not been observed at a high enough frequency to rule out pathogenicity. Functional studies of this variant are supportive of a deleterious effect to the protein; however, it is unclear if this would be sufficient to be disease-causing (Anderson et al., 2014). The KCNH2 gene has fewer missense variants in the general population than expected. A low rate of missense variation may suggest that this gene is intolerant to missense variation. Computational tools predict that this variant is deleterious; however, the accuracy of in silico algorithms is limited. These data were assessed using the ACMG/AMP variant interpretation guidelines. In summary, the significance of the p.Ile711Val variant is uncertain. Additional information is needed to resolve the significance of this variant. [ACMG evidence codes used: PM2; PS3_supporting; PP2; PP3]

AiLife Diagnostics
Classification: Uncertain significance. Last evaluated: 2021-09-18. Review status: criteria provided, single submitter. Criteria: ACMG Guidelines, 2015. Collection method: clinical testing. Allele origin: germline. Affected: yes. Observed: 1 variant allele.

Ambry Genetics
Classification: Uncertain significance for Cardiovascular phenotype. Last evaluated: 2021-07-26. Review status: criteria provided, single submitter. Criteria: Ambry Variant Classification Scheme 2023. Collection method: clinical testing. Allele origin: germline.

CSER _CC_NCGL, University of Washington
Classification: Uncertain significance for Long QT syndrome. Last evaluated: 2014-06-01. Review status: no assertion criteria provided. Collection method: research. Allele origin: germline. Inheritance: Autosomal dominant inheritance. Study: ESP 6500 variant annotation. Not counted in ClinVar's aggregate classification.
Comment: Variants classified for the Actionable exomic incidental findings in 6503 participants: challenges of variant classification manuscript

Cardiovascular Biomedical Research Unit, Royal Brompton & Harefield NHS Foundation Trust
No classification provided. Condition: Familial long QT syndrome. Review status: no classification provided. Collection method: literature only. Allele origin: germline. Not counted in ClinVar's aggregate classification.
Comment: This variant has been reported as associated with Long QT syndrome in the following publications (PMID:19716085). This is a literature report, and does not necessarily reflect the clinical interpretation of the Imperial College / Royal Brompton Cardiovascular Genetics laboratory.

Literature cited by the submitters: PubMed 19716085 (cited by 5 submitters); PubMed 26746457 (cited by 3 submitters); PubMed 25417810 (cited by 4 submitters); PubMed 27807201 (cited by Color Diagnostics, LLC DBA Color Health and All of Us Research Program, National Institutes of Health); PubMed 25637381 (cited by AiLife Diagnostics); PubMed 22581653 (cited by Cardiovascular Biomedical Research Unit, Royal Brompton & Harefield NHS Foundation Trust).

NM_000238.4(KCNH2):c.2131A>G (p.Ile711Val)

Gene: KCNH2 (potassium voltage-gated channel subfamily H member 2; minus strand). Cytogenetic location: 7q36.1.
Variant type: single nucleotide variant.
Coding change: c.2131A>G on transcript NM_000238.4 (MANE Select); coding-DNA position 2131, A replaced by G.
Protein change: p.Ile711Val; replaces isoleucine 711 with valine.
Molecular consequence: missense variant.
Genome position (GRCh38, 1-based): chr7:150,950,935, T>C on the plus strand (A>G on the coding strand, the complement: KCNH2 is on the minus strand). VCF-style: chr7-150950935-T-C. GRCh37 (hg19) VCF-style: chr7-150648023-T-C.
Other names: p.I711V:ATC>GTC; c.2131A>G (LRG_288t1); c.1111A>G, p.Ile371Val (NM_001204798.2, NM_172057.3); c.1843A>G, p.Ile615Val (NM_001406753.1, NM_001406756.1); c.1954A>G, p.Ile652Val (NM_001406755.1); c.1831A>G, p.Ile611Val (NM_001406757.1); c.2131A>G, p.Ile711Val (NM_172056.3); short protein forms I371V, I711V, I615V, I611V, I652V.
Identifiers: ClinVar variation 67367 (VCV000067367.23), dbSNP rs199473532, ClinGen allele CA006268.
Genomic context (GRCh38, chr7:150,950,935, plus strand): 5'-ACTCTTCCCAGCCTGCCACCCACTGGCCACGCTCTGGTGGCCTCACCGCGTTCATGTCGA[T>C]GCCGTTGGTGTAGGACCAGGCGTGCTGGAAGTACTCCTCGAGGCGCTGGCGCAGGGGATT-3'
Protein context (NP_000229.1, residues 701-721): FQHAWSYTNG[Ile711Val]DMNAVLKGFP